The following is an entry in ClinVar:

NM_000088.4(COL1A1):c.3009del (p.Gly1004fs)

Gene: COL1A1 (collagen type I alpha 1 chain; minus strand). Cytogenetic location: 17q21.33.
Variant type: Deletion.
Coding change: c.3009del on transcript NM_000088.4 (MANE Select); coding-DNA position 3009, one base deleted (T; older notation c.3009delT).
Protein change: p.Gly1004fs; shifts the reading frame from glycine 1004.
Molecular consequence: frameshift variant.
Genome position (GRCh38, 1-based): chr17:50,188,939, A deleted on the plus strand (T on the coding strand, the reverse complement: COL1A1 is on the minus strand). VCF-style (leftmost placement, unchanged base first): chr17-50188938-CA-C. GRCh37 (hg19) VCF-style: chr17-48266299-CA-C.
Other names: short protein forms G1004fs.
Identifiers: ClinVar variation 1380100 (VCV001380100.10), dbSNP rs2144547648, ClinGen allele CA2573154206.

ClinVar aggregate classification (germline): Pathogenic/Likely pathogenic. Review status: criteria provided, multiple submitters, no conflicts (2 of 4 stars). 3 submissions from 3 submitters: Pathogenic (2); Likely pathogenic (1). Last evaluated 2024-11-15.

Conditions:
Osteogenesis imperfecta type I (OI1). Also called: OI, TYPE I; OSTEOGENESIS IMPERFECTA TARDA; OSTEOGENESIS IMPERFECTA WITH BLUE SCLERAE; Osteogenesis imperfecta type 1; Lobstein's Disease; Lobstein disease. Identifiers: Orphanet 216796, Orphanet 666, MedGen C0023931, MONDO:0008146, OMIM 166200. Disease mechanism: loss of function.
Osteogenesis imperfecta (OI). Identifiers: Orphanet 666, MedGen C0029434, MeSH D010013, MONDO:0019019.
COL1A1-related disorder. Also called: COL1A1-related condition; COL1A1- related disease.

Submissions (3):

3billion
Classification: Pathogenic for COL1A1-related disorder. Last evaluated: 2024-11-15. Review status: criteria provided, single submitter. Criteria: ACMG Guidelines, 2015. Collection method: clinical testing. Allele origin: germline. Affected: yes.
Comment: The variant is not observed in the gnomAD v4.1.0 dataset. Predicted Consequence/Location: Frameshift: predicted to result in a loss or disruption of normal protein function through nonsense-mediated decay (NMD) or protein truncation. Multiple pathogenic variants are reported downstream of the variant. The variant has been reported at least twice as pathogenic without evidence for the classification (ClinVar ID: VCV001380100). Therefore, this variant is classified as Pathogenic according to the recommendation of ACMG/AMP guideline.

Labcorp Genetics (formerly Invitae), Labcorp
Classification: Pathogenic for Osteogenesis imperfecta type I. Last evaluated: 2024-05-07. Review status: criteria provided, single submitter. Criteria: Invitae Variant Classification Sherloc (09022015). Collection method: clinical testing. Allele origin: germline.
Comment: This sequence change creates a premature translational stop signal (p.Gly1004Aspfs*104) in the COL1A1 gene. It is expected to result in an absent or disrupted protein product. Loss-of-function variants in COL1A1 are known to be pathogenic (PMID: 7942841, 9295084, 9443882). This variant is not present in population databases (gnomAD no frequency). This variant has not been reported in the literature in individuals affected with COL1A1-related conditions. ClinVar contains an entry for this variant (Variation ID: 1380100). For these reasons, this variant has been classified as Pathogenic.

Genome Diagnostics Laboratory, The Hospital for Sick Children
Classification: Likely pathogenic for Osteogenesis imperfecta. Last evaluated: 2019-12-01. Review status: criteria provided, single submitter. Criteria: ACMG Guidelines, 2015. Collection method: clinical testing. Allele origin: germline.

Literature cited by the submitters: PubMed 7942841 (cited by Labcorp Genetics (formerly Invitae), Labcorp); PubMed 9295084 (cited by Labcorp Genetics (formerly Invitae), Labcorp); PubMed 9443882 (cited by Labcorp Genetics (formerly Invitae), Labcorp).